The following is an entry in ClinVar:

ClinVar aggregate classification (germline): Likely benign (1 of 4 stars; one submission).

Conditions:
PCSK5-related disorder. Also called: PCSK5-related condition.

gnomAD v4.1: 2,087 of 1,594,382 alleles (0.13%); highest among the groups gnomAD compares: Middle Eastern, 0.15%; 3 homozygotes.

Submission:

PreventionGenetics, part of Exact Sciences
Classification: Likely benign for PCSK5-related condition. Last evaluated: 2025-02-14. Review status: criteria provided, single submitter. Criteria: ACMG Guidelines, 2015. Collection method: clinical testing. Allele origin: germline.
Comment: This variant is classified as likely benign based on ACMG/AMP sequence variant interpretation guidelines (Richards et al. 2015 PMID: 25741868, with internal and published modifications).

NM_001372043.1(PCSK5):c.3904G>A (p.Gly1302Ser)

Gene: PCSK5 (proprotein convertase subtilisin/kexin type 5; plus strand). Cytogenetic location: 9q21.13.
Variant type: single nucleotide variant.
Coding change: c.3904G>A on transcript NM_001372043.1 (MANE Select); coding-DNA position 3904, G replaced by A.
Protein change: p.Gly1302Ser; replaces glycine 1302 with serine.
Molecular consequence: missense variant.
Genome position (GRCh38, 1-based): chr9:76,321,441, G>A. VCF-style: chr9-76321441-G-A. GRCh37 (hg19) VCF-style: chr9-78936357-G-A.
Other names: c.3823G>A, p.Gly1275Ser (NM_001190482.2); short protein forms G1275S, G1302S.
Identifiers: ClinVar variation 4980438 (VCV004980438.1).